The following is an entry in ClinVar:

ClinVar aggregate classification (germline): Uncertain significance (1 of 4 stars; one submission).

Conditions:
Medium-chain acyl-coenzyme A dehydrogenase deficiency (ACADMD). Also called: CARNITINE DEFICIENCY SECONDARY TO MEDIUM-CHAIN ACYL-CoA DEHYDROGENASE DEFICIENCY; ACADM DEFICIENCY; MCADD; MCADH DEFICIENCY; MCAD Deficiency; Medium chain acyl-CoA dehydrogenase deficiency. Identifiers: Orphanet 42, MedGen C0220710, MONDO:0008721, OMIM 201450.

Submission:

Labcorp Genetics (formerly Invitae), Labcorp
Classification: Uncertain significance for Medium-chain acyl-coenzyme A dehydrogenase deficiency. Last evaluated: 2022-10-25. Review status: criteria provided, single submitter. Criteria: Invitae Variant Classification Sherloc (09022015). Collection method: clinical testing. Allele origin: germline.
Comment: This sequence change replaces isoleucine, which is neutral and non-polar, with serine, which is neutral and polar, at codon 406 of the ACADM protein (p.Ile406Ser). This variant is not present in population databases (gnomAD no frequency). This variant has not been reported in the literature in individuals affected with ACADM-related conditions. Advanced modeling of protein sequence and biophysical properties (such as structural, functional, and spatial information, amino acid conservation, physicochemical variation, residue mobility, and thermodynamic stability) performed at Invitae indicates that this missense variant is expected to disrupt ACADM protein function. In summary, the available evidence is currently insufficient to determine the role of this variant in disease. Therefore, it has been classified as a Variant of Uncertain Significance.

NM_000016.6(ACADM):c.1217T>G (p.Ile406Ser)

Gene: ACADM (acyl-CoA dehydrogenase medium chain; plus strand). Cytogenetic location: 1p31.1.
Variant type: single nucleotide variant.
Coding change: c.1217T>G on transcript NM_000016.6 (MANE Select); coding-DNA position 1217, T replaced by G.
Protein change: p.Ile406Ser; replaces isoleucine 406 with serine.
Molecular consequence: missense variant.
Genome position (GRCh38, 1-based): chr1:75,762,714, T>G. VCF-style: chr1-75762714-T-G. GRCh37 (hg19) VCF-style: chr1-76228399-T-G.
Other names: c.1229T>G, p.Ile410Ser (NM_001127328.3); c.1109T>G, p.Ile370Ser (NM_001286042.2); c.1316T>G, p.Ile439Ser (NM_001286043.2); c.650T>G, p.Ile217Ser (NM_001286044.2); short protein forms I217S, I370S, I406S, I410S, I439S.
Identifiers: ClinVar variation 1717648 (VCV001717648.5), dbSNP rs1648919883, ClinGen allele CA340818434.